The following is an entry in ClinVar:

NM_001287491.2(TET3):c.5019C>T (p.His1673=)

Gene: TET3 (tet methylcytosine dioxygenase 3; plus strand). Cytogenetic location: 2p13.1.
Variant type: single nucleotide variant.
Coding change: c.5019C>T on transcript NM_001287491.2 (MANE Select); coding-DNA position 5019, C replaced by T.
Protein change: p.His1673=; no amino-acid change (histidine 1673 retained).
Molecular consequence: synonymous variant.
Genome position (GRCh38, 1-based): chr2:74,101,807, C>T. VCF-style: chr2-74101807-C-T. GRCh37 (hg19) VCF-style: chr2-74328934-C-T.
Other names: c.4740C>T, p.His1580= (NM_001366022.1); c.4614C>T, p.His1538= (NM_144993.1).
Identifiers: ClinVar variation 2651059 (VCV002651059.24), dbSNP rs368105871, ClinGen allele CA1719338.

ClinVar aggregate classification (germline): Likely benign (1 of 4 stars; one submission).

Allele frequency attached by ClinVar (database versions not stated): ESP Exome Variant Server 0.00008; gnomAD 0.00013; TOPMed 0.00014; 1000 Genomes Project 30x 0.00016; ExAC 0.00017; 1000 Genomes Project 0.00020; gnomAD exomes 0.00021.

Submission:

CeGaT Center for Human Genetics Tuebingen
Classification: Likely benign. Last evaluated: 2022-07-01. Review status: criteria provided, single submitter. Criteria: CeGaT Center For Human Genetics Tuebingen Variant Classification Criteria Version 2. Collection method: clinical testing. Allele origin: germline. Affected: yes. Observed: 1 variant allele.
Comment: TET3: BP4, BP7